The following is an entry in ClinVar:

ClinVar aggregate classification (germline): Uncertain significance (1 of 4 stars; one submission).

Conditions:
GNAS-related disorder. Identifiers: MedGen CN380105.

gnomAD v4.1: 9 of 1,549,812 alleles (0.00058%); highest among the groups gnomAD compares: South Asian, 0.0094%; no homozygotes.

Submission:

PreventionGenetics, part of Exact Sciences
Classification: Uncertain significance for GNAS-related condition. Last evaluated: 2025-06-02. Review status: criteria provided, single submitter. Criteria: ACMG Guidelines, 2015. Collection method: clinical testing. Allele origin: germline.
Comment: The GNAS c.1324G>A variant is predicted to result in the amino acid substitution p.Asp442Asn. This variant is also referred to as c.-37138G>A (pre-coding) with the more commonly reported isoform, NM_000516. To our knowledge, this variant has not been reported in the literature. This variant is reported in 0.0088% of alleles in individuals of East Asian descent in gnomAD. At this time, the clinical significance of this variant is uncertain due to the absence of conclusive functional and genetic evidence.

NM_080425.4(GNAS):c.1324G>A (p.Asp442Asn)

Gene: GNAS (GNAS complex locus; plus strand). Cytogenetic location: 20q13.32.
Variant type: single nucleotide variant.
Coding change: c.1324G>A on transcript NM_080425.4 (MANE Plus Clinical); coding-DNA position 1324, G replaced by A.
Protein change: p.Asp442Asn; replaces aspartic acid 442 with asparagine.
Molecular consequence: missense variant. On other transcripts: synonymous variant (2), intron variant (3).
Genome position (GRCh38, 1-based): chr20:58,854,589, G>A. VCF-style: chr20-58854589-G-A. GRCh37 (hg19) VCF-style: chr20-57429644-G-A.
Other names: c.1137G>A, p.Pro379= (NM_001077490.3, NM_001309883.1); c.1324G>A, p.Asp442Asn (NM_001410913.1); c.*42+13703G>A (NM_016592.5); c.43+13703G>A (NM_001410912.1); c.-39+12714G>A (NM_001309861.2); short protein forms D442N.
Identifiers: ClinVar variation 4980759 (VCV004980759.1).